The following is an entry in ClinVar:

NM_003331.5(TYK2):c.1367+185C>T

Gene: TYK2 (tyrosine kinase 2; minus strand). Cytogenetic location: 19p13.2.
Variant type: single nucleotide variant.
Coding change: c.1367+185C>T on transcript NM_003331.5 (MANE Select); 185 bases into the intron after coding-DNA position 1367, C replaced by T.
Molecular consequence: intron variant.
Genome position (GRCh38, 1-based): chr19:10,364,429, G>A on the plus strand (C>T on the coding strand, the complement: TYK2 is on the minus strand). VCF-style: chr19-10364429-G-A. GRCh37 (hg19) VCF-style: chr19-10475105-G-A.
Other names: NC_000019.9:g.10475105G>A.
Identifiers: ClinVar variation 677734 (VCV000677734.3), dbSNP rs10418513, ClinGen allele CA305205951.

ClinVar aggregate classification (germline): Benign. Review status: criteria provided, multiple submitters, no conflicts (2 of 4 stars). 2 submissions from 2 submitters: Benign (2). Last evaluated 2018-06-16.

Allele frequency attached by ClinVar (database versions not stated): gnomAD 0.02751 and 0.02941; 1000 Genomes Project 0.02975; 1000 Genomes Project 30x 0.03014; TOPMed 0.03139.
gnomAD v4.1: 4,162 of 152,160 alleles (2.7%); highest among the groups gnomAD compares: African/African-American, 9.3%; 179 homozygotes.

Submissions (10):

GeneDx
Classification: Benign. Last evaluated: 2018-06-16. Review status: criteria provided, single submitter. Criteria: GeneDx Variant Classification (06012015). Collection method: clinical testing. Allele origin: germline. Affected: yes.
Comment: This variant is considered likely benign or benign based on one or more of the following criteria: it is a conservative change, it occurs at a poorly conserved position in the protein, it is predicted to be benign by multiple in silico algorithms, and/or has population frequency not consistent with disease.

Breakthrough Genomics
Classification: Benign. Review status: criteria provided, single submitter. Criteria: ACMG Guidelines, 2015. Collection method: not provided. Allele origin: germline. Inheritance: Autosomal recessive inheritance. Affected: yes.

Dr. Peter K. Rogan Lab, Western University
No classification provided (evidence only). Condition: Uterine corpus endometrial carcinoma. Review status: no classification provided. Collection method: in vitro. Allele origin: not applicable. Functional consequence: retained intron. Not counted in ClinVar's aggregate classification.

Dr. Peter K. Rogan Lab, Western University
No classification provided (evidence only). Condition: Cervical cancer. Review status: no classification provided. Collection method: in vitro. Allele origin: not applicable. Functional consequence: skipped exon. Not counted in ClinVar's aggregate classification.

Dr. Peter K. Rogan Lab, Western University
No classification provided (evidence only). Condition: Sarcoma. Review status: no classification provided. Collection method: in vitro. Allele origin: not applicable. Functional consequence: retained intron. Not counted in ClinVar's aggregate classification.

Dr. Peter K. Rogan Lab, Western University
No classification provided (evidence only). Condition: Hepatocellular carcinoma. Review status: no classification provided. Collection method: in vitro. Allele origin: not applicable. Functional consequence: skipped exon. Not counted in ClinVar's aggregate classification.

Dr. Peter K. Rogan Lab, Western University
No classification provided (evidence only). Condition: Ovarian serous cystadenocarcinoma. Review status: no classification provided. Collection method: in vitro. Allele origin: not applicable. Functional consequence: retained intron. Not counted in ClinVar's aggregate classification.

Dr. Peter K. Rogan Lab, Western University
No classification provided (evidence only). Condition: Malignant tumor of esophagus. Review status: no classification provided. Collection method: in vitro. Allele origin: not applicable. Functional consequence: retained intron. Not counted in ClinVar's aggregate classification.

Dr. Peter K. Rogan Lab, Western University
No classification provided (evidence only). Condition: Malignant tumor of esophagus. Review status: no classification provided. Collection method: in vitro. Allele origin: not applicable. Functional consequence: retained intron. Not counted in ClinVar's aggregate classification.

Dr. Peter K. Rogan Lab, Western University
No classification provided (evidence only). Condition: Malignant tumor of esophagus. Review status: no classification provided. Collection method: in vitro. Allele origin: not applicable. Functional consequence: skipped exon. Not counted in ClinVar's aggregate classification.